The following is an entry in ClinVar:

NM_017934.7(PHIP):c.2667A>T (p.Lys889Asn)

Gene: PHIP (PHIP subunit of CUL4-Ring ligase complex; minus strand). Cytogenetic location: 6q14.1.
Variant type: single nucleotide variant.
Coding change: c.2667A>T on transcript NM_017934.7 (MANE Select); coding-DNA position 2667, A replaced by T.
Protein change: p.Lys889Asn; replaces lysine 889 with asparagine.
Molecular consequence: missense variant.
Genome position (GRCh38, 1-based): chr6:78,982,988, T>A on the plus strand (A>T on the coding strand, the complement: PHIP is on the minus strand). VCF-style: chr6-78982988-T-A. GRCh37 (hg19) VCF-style: chr6-79692705-T-A.
Other names: c.2667A>T (NM_017934.5); short protein forms K889N.
Identifiers: ClinVar variation 1690873 (VCV001690873.8), dbSNP rs756471447, ClinGen allele CA3899890.

ClinVar aggregate classification (germline): Conflicting classifications of pathogenicity. Review status: criteria provided, conflicting classifications (1 of 4 stars). 3 submissions from 3 submitters: Uncertain significance (1); Likely benign (2). Last evaluated 2025-11-21.

Conditions:
Inborn genetic diseases. Identifiers: MedGen C0950123, MeSH D030342.

Allele frequency attached by ClinVar (database versions not stated): ExAC 0.00004; gnomAD 0.00006 and 0.00007; gnomAD exomes 0.00008.
gnomAD v4.1: 96 of 1,609,488 alleles (0.006%); highest among the groups gnomAD compares: Admixed American, 0.0084%; no homozygotes.

Submissions (3):

Labcorp Genetics (formerly Invitae), Labcorp
Classification: Likely benign. Last evaluated: 2025-11-21. Review status: criteria provided, single submitter. Criteria: Invitae Variant Classification Sherloc (09022015). Collection method: clinical testing. Allele origin: germline.

Ambry Genetics
Classification: Likely benign for Inborn genetic diseases. Last evaluated: 2023-02-06. Review status: criteria provided, single submitter. Criteria: Ambry Variant Classification Scheme 2023. Collection method: clinical testing. Allele origin: germline.

Laboratorio de Genetica e Diagnostico Molecular, Hospital Israelita Albert Einstein
Classification: Uncertain significance. Last evaluated: 2020-04-22. Review status: criteria provided, single submitter. Criteria: ACMG Guidelines, 2015. Collection method: clinical testing. Allele origin: germline. Affected: yes.
Comment: ACMG classification criteria: BP4